The following is an entry in ClinVar:

ClinVar aggregate classification (germline): Uncertain significance (1 of 4 stars; one submission).

Allele frequency attached by ClinVar (database versions not stated): ExAC 0.00001; TOPMed 0.00001; ESP Exome Variant Server 0.00008.
gnomAD v4.1: 17 of 1,612,032 alleles (0.0011%); highest among the groups gnomAD compares: Non-Finnish European, 0.00017%; no homozygotes.

Submission:

Ambry Genetics
Classification: Uncertain significance. Last evaluated: 2024-08-28. Review status: criteria provided, single submitter. Criteria: Ambry Variant Classification Scheme 2023. Collection method: clinical testing. Allele origin: germline.
Comment: The p.I876V variant (also known as c.2626A>G), located in coding exon 15 of the PKP4 gene, results from an A to G substitution at nucleotide position 2626. The isoleucine at codon 876 is replaced by valine, an amino acid with highly similar properties. This amino acid position is conserved. In addition, this alteration is predicted to be tolerated by in silico analysis. Since supporting evidence is limited at this time, the clinical significance of this alteration remains unclear.

NM_003628.6(PKP4):c.2626A>G (p.Ile876Val)

Genes: PKP4 (plakophilin 4; plus strand), PKP4-AS1 (PKP4 antisense RNA 1; minus strand). Cytogenetic location: 2q24.1.
Variant type: single nucleotide variant.
Coding change: c.2626A>G on transcript NM_003628.6 (MANE Select); coding-DNA position 2626, A replaced by G.
Protein change: p.Ile876Val; replaces isoleucine 876 with valine.
Molecular consequence: missense variant.
Genome position (GRCh38, 1-based): chr2:158,666,461, A>G. VCF-style: chr2-158666461-A-G. GRCh37 (hg19) VCF-style: chr2-159522973-A-G.
Other names: c.2626A>G, p.Ile876Val (NM_001005476.4, NM_001304971.2, NM_001377218.1 and 1 more transcripts); c.2623A>G, p.Ile875Val (NM_001304969.3, NM_001377219.1, NM_001377220.1 and 2 more transcripts); c.1597A>G, p.Ile533Val (NM_001304970.3); c.2620A>G, p.Ile874Val (NM_001377222.1, NM_001377223.1); c.2617A>G, p.Ile873Val (NM_001377224.1); short protein forms I875V, I533V, I874V, I873V, I876V.
Identifiers: ClinVar variation 1793996 (VCV001793996.3), dbSNP rs368465394, ClinGen allele CA1921054.
Genomic context (GRCh38, chr2:158,666,461, plus strand): 5'-TTTTCTCACTAGTTTGCAGCATATATCCGGGCGGCCGTCCGAAAAGAAAAGGGGCTCCCC[A>G]TCCTTGTGGAGCTTCTGAGAATGGATAACGATAGAGTTGTTTCTTCCGTGGCAACAGCCT-3'
Protein context (NP_003619.2, residues 866-886): AAVRKEKGLP[Ile876Val]LVELLRMDND